The following is an entry in ClinVar:

NM_001282933.2(ZNF341):c.1964C>T (p.Ser655Leu)

Genes: ZNF341 (zinc finger protein 341; plus strand), ZNF341-AS1 (ZNF341 antisense RNA 1; minus strand). Cytogenetic location: 20q11.22.
Variant type: single nucleotide variant.
Coding change: c.1964C>T on transcript NM_001282933.2 (MANE Select); coding-DNA position 1964, C replaced by T.
Protein change: p.Ser655Leu; replaces serine 655 with leucine.
Molecular consequence: missense variant. On other transcripts: non-coding transcript variant (1).
Genome position (GRCh38, 1-based): chr20:33,788,974, C>T. VCF-style: chr20-33788974-C-T. GRCh37 (hg19) VCF-style: chr20-32376780-C-T.
Other names: c.1694C>T, p.Ser565Leu (NM_001282935.2); c.1943C>T, p.Ser648Leu (NM_032819.5); short protein forms S565L, S648L, S655L.
Identifiers: ClinVar variation 1955154 (VCV001955154.2), dbSNP rs555966050, ClinGen allele CA313310795.

ClinVar aggregate classification (germline): Uncertain significance (1 of 4 stars; one submission).

Allele frequency attached by ClinVar (database versions not stated): gnomAD 0.00001.
gnomAD v4.1: 6 of 1,609,900 alleles (0.00037%); highest among the groups gnomAD compares: Middle Eastern, 0.017%; no homozygotes.

Submission:

Labcorp Genetics (formerly Invitae), Labcorp
Classification: Uncertain significance. Last evaluated: 2022-04-25. Review status: criteria provided, single submitter. Criteria: Invitae Variant Classification Sherloc (09022015). Collection method: clinical testing. Allele origin: germline.
Comment: This sequence change replaces serine, which is neutral and polar, with leucine, which is neutral and non-polar, at codon 648 of the ZNF341 protein (p.Ser648Leu). This variant is not present in population databases (gnomAD no frequency). This variant has not been reported in the literature in individuals affected with ZNF341-related conditions. Algorithms developed to predict the effect of missense changes on protein structure and function output the following: SIFT: "Tolerated"; PolyPhen-2: "Benign"; Align-GVGD: "Class C0". The leucine amino acid residue is found in multiple mammalian species, which suggests that this missense change does not adversely affect protein function. In summary, the available evidence is currently insufficient to determine the role of this variant in disease. Therefore, it has been classified as a Variant of Uncertain Significance.